The following is an entry in ClinVar:

NM_031443.4(CCM2):c.833G>A (p.Gly278Asp)

Gene: CCM2 (CCM2 scaffold protein; plus strand). Cytogenetic location: 7p13.
Variant type: single nucleotide variant.
Coding change: c.833G>A on transcript NM_031443.4 (MANE Select); coding-DNA position 833, G replaced by A.
Protein change: p.Gly278Asp; replaces glycine 278 with aspartic acid.
Molecular consequence: missense variant. On other transcripts: non-coding transcript variant (1).
Genome position (GRCh38, 1-based): chr7:45,073,489, G>A. VCF-style: chr7-45073489-G-A. GRCh37 (hg19) VCF-style: chr7-45113088-G-A.
Other names: c.896G>A, p.Gly299Asp (NM_001029835.2); c.659G>A, p.Gly220Asp (NM_001167934.2); c.560G>A, p.Gly187Asp (NM_001167935.2); c.956G>A, p.Gly319Asp (NM_001363458.2); c.782G>A, p.Gly261Asp (NM_001363459.2); short protein forms G187D, G220D, G261D, G278D, G299D, G319D.
Identifiers: ClinVar variation 4847455 (VCV004847455.1).

ClinVar aggregate classification (germline): Uncertain significance (1 of 4 stars; one submission).

gnomAD v4.1: 4 of 1,613,470 alleles (0.00025%); highest among the groups gnomAD compares: African/African-American, 0.0053%; no homozygotes.

Submission:

Women's Health and Genetics/Laboratory Corporation of America, LabCorp
Classification: Uncertain significance. Last evaluated: 2026-03-05. Review status: criteria provided, single submitter. Criteria: LabCorp Variant Classification Summary - May 2015. Collection method: clinical testing. Allele origin: germline.
Comment: Variant summary: CCM2 c.833G>A (p.Gly278Asp) results in a non-conservative amino acid change in the encoded protein sequence. Algorithms developed to predict the effect of missense changes on protein structure and function are either unavailable or do not agree on the potential impact of this missense change. The variant allele was found at a frequency of 4e-06 in 250418 control chromosomes. The available data on variant occurrences in the general population are insufficient to allow any conclusion about variant significance. To our knowledge, no occurrence of c.833G>A in individuals affected with CCM2-related conditions and no experimental evidence demonstrating its impact on protein function have been reported. No submitters have cited clinical-significance assessments for this variant to ClinVar. Based on the evidence outlined above, the variant was classified as uncertain significance.